The following is an entry in ClinVar:

NM_018136.5(ASPM):c.8469_8472delinsGC (p.Ala2824fs)

Gene: ASPM (assembly factor for spindle microtubules; minus strand). Cytogenetic location: 1q31.3.
Variant type: Indel.
Coding change: c.8469_8472delinsGC on transcript NM_018136.5 (MANE Select); coding-DNA positions 8469 to 8472, AGCT replaced by GC.
Protein change: p.Ala2824fs; shifts the reading frame from alanine 2824.
Molecular consequence: frameshift variant. On other transcripts: intron variant (1).
Genome position (GRCh38, 1-based): chr1:197,100,779-197,100,782, AGCT replaced by GC on the plus strand (AGCT replaced by GC on the coding strand, the reverse complement: ASPM is on the minus strand). VCF-style: chr1-197100779-AGCT-GC. GRCh37 (hg19) VCF-style: chr1-197069909-AGCT-GC.
Other names: c.4066-4618_4066-4615delinsGC (NM_001206846.2); short protein forms A2824fs.
Identifiers: ClinVar variation 3257572 (VCV003257572.17).

ClinVar aggregate classification (germline): Pathogenic (1 of 4 stars; one submission).

Submission:

CeGaT Center for Human Genetics Tuebingen
Classification: Pathogenic. Last evaluated: 2024-07-01. Review status: criteria provided, single submitter. Criteria: CeGaT Center For Human Genetics Tuebingen Variant Classification Criteria Version 2. Collection method: clinical testing. Allele origin: germline. Affected: yes. Observed: 1 variant allele.
Comment: ASPM: PVS1, PM2, PM3:Supporting